The following is an entry in ClinVar:

NM_000214.3(JAG1):c.292T>C (p.Ser98Pro)

Gene: JAG1 (jagged canonical Notch ligand 1; minus strand). Cytogenetic location: 20p12.2.
Variant type: single nucleotide variant.
Coding change: c.292T>C on transcript NM_000214.3 (MANE Select); coding-DNA position 292, T replaced by C.
Protein change: p.Ser98Pro; replaces serine 98 with proline.
Molecular consequence: missense variant.
Genome position (GRCh38, 1-based): chr20:10,672,796, A>G on the plus strand (T>C on the coding strand, the complement: JAG1 is on the minus strand). VCF-style: chr20-10672796-A-G. GRCh37 (hg19) VCF-style: chr20-10653444-A-G.
Other names: short protein forms S98P.
Identifiers: ClinVar variation 863211 (VCV000863211.9), dbSNP rs1333355200, ClinGen allele CA408242810.

ClinVar aggregate classification (germline): Uncertain significance (1 of 4 stars; one submission).

Conditions:
Alagille syndrome due to a JAG1 point mutation. Also called: JAG1-Related Alagille Syndrome; HEPATIC DUCTULAR HYPOPLASIA, SYNDROMATIC; Alagille Syndrome 1. Identifiers: Orphanet 261619, Orphanet 52, MedGen C1956125, MONDO:0016862, OMIM 118450.

Allele frequency attached by ClinVar (database versions not stated): TOPMed 0.00001.

Submission:

Labcorp Genetics (formerly Invitae), Labcorp
Classification: Uncertain significance for Alagille syndrome due to a JAG1 point mutation. Last evaluated: 2019-12-12. Review status: criteria provided, single submitter. Criteria: Invitae Variant Classification Sherloc (09022015). Collection method: clinical testing. Allele origin: germline.
Comment: In summary, the available evidence is currently insufficient to determine the role of this variant in disease. Therefore, it has been classified as a Variant of Uncertain Significance. Algorithms developed to predict the effect of missense changes on protein structure and function are either unavailable or do not agree on the potential impact of this missense change (SIFT: "Deleterious"; PolyPhen-2: "Possibly Damaging"; Align-GVGD: "Class C0"). This variant has not been reported in the literature in individuals with JAG1-related conditions. This variant is not present in population databases (ExAC no frequency). This sequence change replaces serine with proline at codon 98 of the JAG1 protein (p.Ser98Pro). The serine residue is highly conserved and there is a moderate physicochemical difference between serine and proline.